The following is an entry in ClinVar:

NC_000003.12:g.169764999T>A

Genes: TERC (telomerase RNA component; minus strand), LOC110806306 (telomerase RNA component (TERC) promoter; plus strand). Cytogenetic location: 3q26.2.
Variant type: single nucleotide variant.
Genome position: GRCh38 VCF-style: chr3-169764999-T-A. GRCh37 (hg19) VCF-style: chr3-169482787-T-A.
Identifiers: ClinVar variation 2840076 (VCV002840076.3), dbSNP rs1203113072, ClinGen allele CA436715916.
Genomic context (GRCh38, chr3:169,764,999, plus strand): 5'-CCCGCTGAAAGTCAGCGAGAAAAACAGCGCGCGGGGAGCAAAAGCACGGCGCCTACGCCC[T>A]TCTCAGTTAGGGTTAGACAAAAAATGGCCACCACCCCTCCCAGGCCCACCCTCCGCAACC-3'

ClinVar aggregate classification (germline): Uncertain significance (1 of 4 stars; one submission).

Conditions:
Dyskeratosis congenita, autosomal dominant 1 (DKCA1). Also called: Dyskeratosis congenita Scoggins type. Identifiers: Orphanet 1775, MedGen C4551974, MONDO:0007485, OMIM 127550. Inheritance: Variable.

gnomAD v4.1: 3 of 765,364 alleles (0.00039%); highest among the groups gnomAD compares: African/African-American, 0.0051%; no homozygotes.

Submission:

Labcorp Genetics (formerly Invitae), Labcorp
Classification: Uncertain significance for Dyskeratosis congenita, autosomal dominant 1. Last evaluated: 2023-02-22. Review status: criteria provided, single submitter. Criteria: Invitae Variant Classification Sherloc (09022015). Collection method: clinical testing. Allele origin: germline.
Comment: This variant is located within the template/pseudoknot domain of the TERC RNA component, which is required for RNA or RNP stability (PMID: 15082312, 21844345). In summary, the available evidence is currently insufficient to determine the role of this variant in disease. Therefore, it has been classified as a Variant of Uncertain Significance. This variant is located in a region of TERC in which a significant number of disease causing variants have been reported (PMID: 15082312, 21844345, 21931702). These observations suggest that this may be a clinically significant region. This variant has not been reported in the literature in individuals affected with TERC-related conditions. This variant is not present in population databases (gnomAD no frequency). This variant occurs in the TERC gene, which encodes an RNA molecule that does not result in a protein product.

Literature cited by the submitters: PubMed 15082312; PubMed 21844345; PubMed 21931702.